The following is an entry in ClinVar:

NM_152564.5(VPS13B):c.9023C>A (p.Ala3008Glu)

Gene: VPS13B (vacuolar protein sorting 13 homolog B; plus strand). Cytogenetic location: 8q22.2.
Variant type: single nucleotide variant.
Coding change: c.9023C>A on transcript NM_152564.5 (MANE Select); coding-DNA position 9023, C replaced by A.
Protein change: p.Ala3008Glu; replaces alanine 3008 with glutamic acid.
Molecular consequence: missense variant.
Genome position (GRCh38, 1-based): chr8:99,821,322, C>A. VCF-style: chr8-99821322-C-A. GRCh37 (hg19) VCF-style: chr8-100833550-C-A.
Other names: c.9098C>A, p.Ala3033Glu (NM_017890.5); short protein forms A3033E, A3008E.
Identifiers: ClinVar variation 851048 (VCV000851048.11), dbSNP rs6992059, ClinGen allele CA371777999.

ClinVar aggregate classification (germline): Uncertain significance. Review status: criteria provided, single submitter (1 of 4 stars). 2 submissions from 2 submitters: Uncertain significance (1). 1 of the submissions does not count toward it. Last evaluated 2026-01-14.

Conditions:
Cohen syndrome (COH1). Also called: PEPPER SYNDROME; Cutis verticis gyrata, retinitis pigmentosa, and sensorineural deafness. Identifiers: Orphanet 193, MedGen C0265223, MONDO:0008999, OMIM 216550.

Allele frequency attached by ClinVar (database versions not stated): gnomAD exomes below 0.00001 and 0.00001; TOPMed below 0.00001; gnomAD 0.00001.
gnomAD v4.1: 4 of 1,613,466 alleles (0.00025%); highest among the groups gnomAD compares: Middle Eastern, 0.016%; no homozygotes.

Submissions (2):

Labcorp Genetics (formerly Invitae), Labcorp
Classification: Uncertain significance for Cohen syndrome. Last evaluated: 2026-01-14. Review status: criteria provided, single submitter. Criteria: Invitae Variant Classification Sherloc (09022015). Collection method: clinical testing. Allele origin: germline.
Comment: This sequence change replaces alanine, which is neutral and non-polar, with glutamic acid, which is acidic and polar, at codon 3033 of the VPS13B protein (p.Ala3033Glu). This variant is present in population databases (rs6992059, gnomAD 0.002%). This variant has not been reported in the literature in individuals affected with VPS13B-related conditions. ClinVar contains an entry for this variant (Variation ID: 851048). Invitae Evidence Modeling of protein sequence and biophysical properties (such as structural, functional, and spatial information, amino acid conservation, physicochemical variation, residue mobility, and thermodynamic stability) indicates that this missense variant is not expected to disrupt VPS13B protein function with a negative predictive value of 80%. In summary, the available evidence is currently insufficient to determine the role of this variant in disease. Therefore, it has been classified as a Variant of Uncertain Significance.

Natera, Inc.
Classification: Uncertain significance for Cohen syndrome. Last evaluated: 2020-11-12. Review status: no assertion criteria provided. Collection method: clinical testing. Allele origin: germline. Not counted in ClinVar's aggregate classification.